The following is an entry in ClinVar:

ClinVar aggregate classification (germline): Likely benign (0 of 4 stars; one submission).

Conditions:
FGFR3-related disorder. Also called: FGFR3-related disorders.

Allele frequency attached by ClinVar (database versions not stated): gnomAD exomes below 0.00001; TOPMed below 0.00001; gnomAD 0.00001.
gnomAD v4.1: 2 of 1,611,116 alleles (0.00012%); highest among the groups gnomAD compares: Non-Finnish European, 0.00017%; no homozygotes.

Submission:

PreventionGenetics, part of Exact Sciences
Classification: Likely benign for FGFR3-related condition. Last evaluated: 2019-12-20. Review status: no assertion criteria provided. Collection method: clinical testing. Allele origin: germline.
Comment: This variant is classified as likely benign based on ACMG/AMP sequence variant interpretation guidelines (Richards et al. 2015 PMID: 25741868, with internal and published modifications).

NM_000142.5(FGFR3):c.1413-7C>T

Gene: FGFR3 (fibroblast growth factor receptor 3; plus strand). Cytogenetic location: 4p16.3.
Variant type: single nucleotide variant.
Coding change: c.1413-7C>T on transcript NM_000142.5 (MANE Select); 7 bases into the intron before coding-DNA position 1413, C replaced by T.
Molecular consequence: intron variant.
Genome position (GRCh38, 1-based): chr4:1,805,348, C>T. VCF-style: chr4-1805348-C-T. GRCh37 (hg19) VCF-style: chr4-1807075-C-T.
Other names: c.1419-7C>T (NM_001163213.2); c.1416-7C>T (NM_001354809.2, NM_001354810.2); c.1077-7C>T (NM_022965.4).
Identifiers: ClinVar variation 3048957 (VCV003048957.2), dbSNP rs945110517, ClinGen allele CA791738105.